The following is an entry in ClinVar:

NM_002693.3(POLG):c.323A>C (p.Gln108Pro)

Genes: POLG (DNA polymerase gamma, catalytic subunit; minus strand), POLGARF (POLG alternative reading frame; minus strand). Cytogenetic location: 15q26.1.
Variant type: single nucleotide variant.
Coding change: c.323A>C on transcript NM_002693.3 (MANE Select); coding-DNA position 323, A replaced by C.
Protein change: p.Gln108Pro; replaces glutamine 108 with proline.
Molecular consequence: missense variant. On other transcripts: synonymous variant (1).
Genome position (GRCh38, 1-based): chr15:89,333,432, T>G on the plus strand (A>C on the coding strand, the complement: POLG is on the minus strand). VCF-style: chr15-89333432-T-G. GRCh37 (hg19) VCF-style: chr15-89876663-T-G.
Other names: c.378A>C, p.Ala126= (NM_001430120.1); c.323A>C, p.Gln108Pro (NM_001126131.2); short protein forms Q108P.
Identifiers: ClinVar variation 3636656 (VCV003636656.2).

ClinVar aggregate classification (germline): Uncertain significance (1 of 4 stars; one submission).

Conditions:
Progressive sclerosing poliodystrophy (MTDPS4A). Also called: ALPERS PROGRESSIVE INFANTILE POLIODYSTROPHY; NEURONAL DEGENERATION OF CHILDHOOD WITH LIVER DISEASE, PROGRESSIVE; Alpers Syndrome; ALPERS DIFFUSE DEGENERATION OF CEREBRAL GRAY MATTER WITH HEPATIC CIRRHOSIS; Alpers-Huttenlocher Syndrome; Mitochondrial DNA depletion syndrome 4A (Alpers type). Identifiers: Orphanet 726, MedGen C0205710, MONDO:0008758, OMIM 203700.

Submission:

Labcorp Genetics (formerly Invitae), Labcorp
Classification: Uncertain significance for Progressive sclerosing poliodystrophy. Last evaluated: 2024-03-09. Review status: criteria provided, single submitter. Criteria: Invitae Variant Classification Sherloc (09022015). Collection method: clinical testing. Allele origin: germline.
Comment: This sequence change replaces glutamine, which is neutral and polar, with proline, which is neutral and non-polar, at codon 108 of the POLG protein (p.Gln108Pro). This variant is not present in population databases (gnomAD no frequency). This variant has not been reported in the literature in individuals affected with POLG-related conditions. Advanced modeling of protein sequence and biophysical properties (such as structural, functional, and spatial information, amino acid conservation, physicochemical variation, residue mobility, and thermodynamic stability) has been performed at Invitae for this missense variant, however the output from this modeling did not meet the statistical confidence thresholds required to predict the impact of this variant on POLG protein function. In summary, the available evidence is currently insufficient to determine the role of this variant in disease. Therefore, it has been classified as a Variant of Uncertain Significance.